The following is an entry in ClinVar:

ClinVar aggregate classification (germline): Uncertain significance (1 of 4 stars; one submission).

Conditions:
Epileptic encephalopathy. Identifiers: MedGen C0543888, HP:0200134.

Allele frequency attached by ClinVar (database versions not stated): TOPMed 0.00002.
gnomAD v4.1: 9 of 1,608,090 alleles (0.00056%); highest among the groups gnomAD compares: African/African-American, 0.0013%; no homozygotes.

Submission:

Labcorp Genetics (formerly Invitae), Labcorp
Classification: Uncertain significance for Epileptic encephalopathy. Last evaluated: 2020-09-10. Review status: criteria provided, single submitter. Criteria: Invitae Variant Classification Sherloc (09022015). Collection method: clinical testing. Allele origin: germline.
Comment: This sequence change replaces alanine with serine at codon 536 of the RYR3 protein (p.Ala536Ser). The alanine residue is moderately conserved and there is a moderate physicochemical difference between alanine and serine. This variant is not present in population databases (ExAC no frequency). This variant has not been reported in the literature in individuals with RYR3-related conditions. Algorithms developed to predict the effect of missense changes on protein structure and function (SIFT, PolyPhen-2, Align-GVGD) all suggest that this variant is likely to be tolerated, but these predictions have not been confirmed by published functional studies and their clinical significance is uncertain. In summary, the available evidence is currently insufficient to determine the role of this variant in disease. Therefore, it has been classified as a Variant of Uncertain Significance.

NM_001036.6(RYR3):c.1606G>T (p.Ala536Ser)

Gene: RYR3 (ryanodine receptor 3; plus strand). Cytogenetic location: 15q14.
Variant type: single nucleotide variant.
Coding change: c.1606G>T on transcript NM_001036.6 (MANE Select); coding-DNA position 1606, G replaced by T.
Protein change: p.Ala536Ser; replaces alanine 536 with serine.
Molecular consequence: missense variant.
Genome position (GRCh38, 1-based): chr15:33,584,427, G>T. VCF-style: chr15-33584427-G-T. GRCh37 (hg19) VCF-style: chr15-33876628-G-T.
Other names: c.1606G>T, p.Ala536Ser (NM_001243996.4); short protein forms A536S.
Identifiers: ClinVar variation 1014246 (VCV001014246.8), dbSNP rs868245910, ClinGen allele CA391571331.
Genomic context (GRCh38, chr15:33,584,427, plus strand): 5'-CTATGATCAAACATCTCCTTGTTTGCAGCTGCTCTCATTCGCGGAAACAGAAACAATTGC[G>T]CTCAATTCTCCAATAACCTTGATTGGCTCATCAGTAAATTGGACAGACTAGAATCTTCCT-3'
Protein context (NP_001027.3, residues 526-546): ALIRGNRNNC[Ala536Ser]QFSNNLDWLI